The following is an entry in ClinVar:

NM_003791.4(MBTPS1):c.392A>C (p.Lys131Thr)

Gene: MBTPS1 (membrane bound transcription factor peptidase, site 1; minus strand). Cytogenetic location: 16q23.3.
Variant type: single nucleotide variant.
Coding change: c.392A>C on transcript NM_003791.4 (MANE Select); coding-DNA position 392, A replaced by C.
Protein change: p.Lys131Thr; replaces lysine 131 with threonine.
Molecular consequence: missense variant.
Genome position (GRCh38, 1-based): chr16:84,099,082, T>G on the plus strand (A>C on the coding strand, the complement: MBTPS1 is on the minus strand). VCF-style: chr16-84099082-T-G. GRCh37 (hg19) VCF-style: chr16-84132687-T-G.
Other names: c.392A>C (NM_003791.2); short protein forms K131T.
Identifiers: ClinVar variation 1498597 (VCV001498597.5), dbSNP rs766388700, ClinGen allele CA8201803.

ClinVar aggregate classification (germline): Uncertain significance. Review status: criteria provided, multiple submitters, no conflicts (2 of 4 stars). 2 submissions from 2 submitters: Uncertain significance (2). Last evaluated 2025-05-19.

Conditions:
Inborn genetic diseases. Identifiers: MedGen C0950123, MeSH D030342.

Allele frequency attached by ClinVar (database versions not stated): ExAC 0.00003.
gnomAD v4.1: 140 of 1,614,046 alleles (0.0087%); highest among the groups gnomAD compares: Non-Finnish European, 0.011%; no homozygotes.

Submissions (2):

Ambry Genetics
Classification: Uncertain significance for Inborn genetic diseases. Last evaluated: 2025-05-19. Review status: criteria provided, single submitter. Criteria: Ambry Variant Classification Scheme 2023. Collection method: clinical testing. Allele origin: germline.

Labcorp Genetics (formerly Invitae), Labcorp
Classification: Uncertain significance. Last evaluated: 2021-10-24. Review status: criteria provided, single submitter. Criteria: Invitae Variant Classification Sherloc (09022015). Collection method: clinical testing. Allele origin: germline.
Comment: This sequence change replaces lysine with threonine at codon 131 of the MBTPS1 protein (p.Lys131Thr). The lysine residue is moderately conserved and there is a moderate physicochemical difference between lysine and threonine. This variant is present in population databases (rs766388700, ExAC 0.01%). This variant has not been reported in the literature in individuals affected with MBTPS1-related conditions. Algorithms developed to predict the effect of missense changes on protein structure and function (SIFT, PolyPhen-2, Align-GVGD) all suggest that this variant is likely to be tolerated. In summary, the available evidence is currently insufficient to determine the role of this variant in disease. Therefore, it has been classified as a Variant of Uncertain Significance.